The following is an entry in ClinVar:

NM_015192.4(PLCB1):c.2082G>A (p.Gly694=)

Gene: PLCB1 (phospholipase C beta 1; plus strand). Cytogenetic location: 20p12.3.
Variant type: single nucleotide variant.
Coding change: c.2082G>A on transcript NM_015192.4 (MANE Select); coding-DNA position 2082, G replaced by A.
Protein change: p.Gly694=; no amino-acid change (glycine 694 retained).
Molecular consequence: synonymous variant.
Genome position (GRCh38, 1-based): chr20:8,737,066, G>A. VCF-style: chr20-8737066-G-A. GRCh37 (hg19) VCF-style: chr20-8717713-G-A.
Other names: p.Gly694=; c.2082G>A, p.Gly694= (NM_182734.3).
Identifiers: ClinVar variation 129903 (VCV000129903.26), dbSNP rs3761170, ClinGen allele CA154263.

ClinVar aggregate classification (germline): Benign/Likely benign. Review status: criteria provided, multiple submitters, no conflicts (2 of 4 stars). 7 submissions from 7 submitters: Benign (5); Likely benign (1). 1 of the submissions does not count toward it. Last evaluated 2026-02-04.

Conditions:
Inborn genetic diseases. Identifiers: MedGen C0950123, MeSH D030342.
Developmental and epileptic encephalopathy, 12 (DEE12). Identifiers: MedGen C3150988, MONDO:0013389, OMIM 613722.

Allele frequency attached by ClinVar (database versions not stated): gnomAD 0.05661; ESP Exome Variant Server 0.05736; TOPMed 0.06168; ExAC 0.07959; gnomAD exomes 0.07987; 1000 Genomes Project 30x 0.09666; 1000 Genomes Project 0.09924.
gnomAD v4.1: 110,756 of 1,612,662 alleles (6.9%); highest among the groups gnomAD compares: South Asian, 16%; 4,673 homozygotes.

Submissions (7):

Labcorp Genetics (formerly Invitae), Labcorp
Classification: Benign for Developmental and epileptic encephalopathy, 12. Last evaluated: 2026-02-04. Review status: criteria provided, single submitter. Criteria: Invitae Variant Classification Sherloc (09022015). Collection method: clinical testing. Allele origin: germline.

GeneDx
Classification: Benign. Last evaluated: 2020-11-24. Review status: criteria provided, single submitter. Criteria: GeneDx Variant Classification Process June 2021. Collection method: clinical testing. Allele origin: germline. Affected: yes.

Mayo Clinic Laboratories, Mayo Clinic
Classification: Benign. Last evaluated: 2018-04-10. Review status: criteria provided, single submitter. Criteria: ACMG Guidelines, 2015. Collection method: clinical testing. Allele origin: germline. Observed: 85 variant alleles.

Ambry Genetics
Classification: Benign for Inborn genetic diseases. Last evaluated: 2016-03-13. Review status: criteria provided, single submitter. Criteria: Ambry Variant Classification Scheme 2023. Collection method: clinical testing. Allele origin: germline.

Breakthrough Genomics
Classification: Likely benign. Review status: criteria provided, single submitter. Criteria: ACMG Guidelines, 2015. Collection method: not provided. Allele origin: germline. Inheritance: Autosomal recessive inheritance. Affected: yes.

PreventionGenetics, part of Exact Sciences
Classification: Benign. Review status: criteria provided, single submitter. Criteria: ACMG Guidelines, 2015. Collection method: clinical testing. Allele origin: germline.

Genetic Services Laboratory, University of Chicago
Classification: Likely benign for AllHighlyPenetrant. Review status: no assertion criteria provided. Collection method: clinical testing. Allele origin: germline. Inheritance: Autosomal recessive inheritance. Not counted in ClinVar's aggregate classification.
Comment: Likely benign based on allele frequency in 1000 Genomes Project or ESP global frequency and its presence in a patient with a rare or unrelated disease phenotype. NOT Sanger confirmed.